The following is an entry in ClinVar:

NM_001376.5(DYNC1H1):c.7437C>T (p.Phe2479=)

Gene: DYNC1H1 (dynein cytoplasmic 1 heavy chain 1; plus strand). Cytogenetic location: 14q32.31.
Variant type: single nucleotide variant.
Coding change: c.7437C>T on transcript NM_001376.5 (MANE Select); coding-DNA position 7437, C replaced by T.
Protein change: p.Phe2479=; no amino-acid change (phenylalanine 2479 retained).
Molecular consequence: synonymous variant.
Genome position (GRCh38, 1-based): chr14:102,016,050, C>T. VCF-style: chr14-102016050-C-T. GRCh37 (hg19) VCF-style: chr14-102482387-C-T.
Identifiers: ClinVar variation 697261 (VCV000697261.35), dbSNP rs757950114, ClinGen allele CA7352814.

ClinVar aggregate classification (germline): Likely benign. Review status: criteria provided, multiple submitters, no conflicts (2 of 4 stars). 3 submissions from 3 submitters: Likely benign (3). Last evaluated 2025-06-29.

Conditions:
Charcot-Marie-Tooth disease axonal type 2O. Also called: Charcot-Marie-Tooth Neuropathy Type 2O; Charcot-Marie-Tooth disease, axonal, type 20; CHARCOT-MARIE-TOOTH NEUROPATHY, AXONAL, TYPE 2O; CHARCOT-MARIE-TOOTH DISEASE, AXONAL, AUTOSOMAL DOMINANT, TYPE 2O. Identifiers: Orphanet 284232, MedGen C3280220, MONDO:0013644, OMIM 614228.

Allele frequency attached by ClinVar (database versions not stated): ExAC 0.00001; gnomAD exomes 0.00001; gnomAD 0.00002; TOPMed 0.00002.
gnomAD v4.1: 13 of 1,613,148 alleles (0.00081%); highest among the groups gnomAD compares: Non-Finnish European, 0.0011%; no homozygotes.

Submissions (3):

Labcorp Genetics (formerly Invitae), Labcorp
Classification: Likely benign for Charcot-Marie-Tooth disease axonal type 2O. Last evaluated: 2025-06-29. Review status: criteria provided, single submitter. Criteria: Invitae Variant Classification Sherloc (09022015). Collection method: clinical testing. Allele origin: germline.

Blueprint Genetics
Classification: Likely benign. Last evaluated: 2024-09-03. Review status: criteria provided, single submitter. Criteria: ACMG Guidelines, 2015. Collection method: clinical testing. Allele origin: germline.

CeGaT Center for Human Genetics Tuebingen
Classification: Likely benign. Last evaluated: 2022-06-01. Review status: criteria provided, single submitter. Criteria: CeGaT Center For Human Genetics Tuebingen Variant Classification Criteria Version 2. Collection method: clinical testing. Allele origin: germline. Affected: yes. Observed: 1 variant allele.
Comment: DYNC1H1: BP4, BP7